The following is an entry in ClinVar:

NM_182914.3(SYNE2):c.12636C>G (p.Asp4212Glu)

Gene: SYNE2 (spectrin repeat containing nuclear envelope protein 2; plus strand). Cytogenetic location: 14q23.2.
Variant type: single nucleotide variant.
Coding change: c.12636C>G on transcript NM_182914.3 (MANE Select); coding-DNA position 12636, C replaced by G.
Protein change: p.Asp4212Glu; replaces aspartic acid 4212 with glutamic acid.
Molecular consequence: missense variant.
Genome position (GRCh38, 1-based): chr14:64,113,367, C>G. VCF-style: chr14-64113367-C-G. GRCh37 (hg19) VCF-style: chr14-64580085-C-G.
Other names: c.12636C>G, p.Asp4212Glu (NM_015180.6); short protein forms D4212E.
Identifiers: ClinVar variation 706330 (VCV000706330.17), dbSNP rs752924139, ClinGen allele CA7222226.

ClinVar aggregate classification (germline): Conflicting classifications of pathogenicity. Review status: criteria provided, conflicting classifications (1 of 4 stars). 3 submissions from 3 submitters: Uncertain significance (1); Likely benign (2). Last evaluated 2025-12-01.

Conditions:
Emery-Dreifuss muscular dystrophy 5, autosomal dominant (EDMD5). Also called: EMERY-DREIFUSS MUSCULAR DYSTROPHY 5. Identifiers: Orphanet 261, MedGen C2751805, MONDO:0013072, OMIM 612999.

Allele frequency attached by ClinVar (database versions not stated): ExAC 0.00004; gnomAD exomes 0.00006 and 0.00028; gnomAD 0.00060 and 0.00065; TOPMed 0.00071.
gnomAD v4.1: 179 of 1,613,928 alleles (0.011%); highest among the groups gnomAD compares: Admixed American, 0.29%; 1 homozygote.

Submissions (3):

CeGaT Center for Human Genetics Tuebingen
Classification: Likely benign. Last evaluated: 2025-12-01. Review status: criteria provided, single submitter. Criteria: CeGaT Center For Human Genetics Tuebingen Variant Classification Criteria Version 2. Collection method: clinical testing. Allele origin: germline. Affected: yes. Observed: 1 variant allele.
Comment: SYNE2: BP4, BS1

Labcorp Genetics (formerly Invitae), Labcorp
Classification: Likely benign for Emery-Dreifuss muscular dystrophy 5, autosomal dominant. Last evaluated: 2025-10-31. Review status: criteria provided, single submitter. Criteria: Invitae Variant Classification Sherloc (09022015). Collection method: clinical testing. Allele origin: germline.

Ambry Genetics
Classification: Uncertain significance. Last evaluated: 2025-10-07. Review status: criteria provided, single submitter. Criteria: Ambry Variant Classification Scheme 2023. Collection method: clinical testing. Allele origin: germline.